The following is an entry in ClinVar:

NM_004364.5(CEBPA):c.502G>A (p.Asp168Asn)

Gene: CEBPA (CCAAT enhancer binding protein alpha; minus strand). Cytogenetic location: 19q13.11.
Variant type: single nucleotide variant.
Coding change: c.502G>A on transcript NM_004364.5 (MANE Select); coding-DNA position 502, G replaced by A.
Protein change: p.Asp168Asn; replaces aspartic acid 168 with asparagine.
Molecular consequence: missense variant.
Genome position (GRCh38, 1-based): chr19:33,301,913, C>T on the plus strand (G>A on the coding strand, the complement: CEBPA is on the minus strand). VCF-style: chr19-33301913-C-T. GRCh37 (hg19) VCF-style: chr19-33792819-C-T.
Other names: c.145G>A, p.Asp49Asn (NM_001285829.2); c.607G>A, p.Asp203Asn (NM_001287424.2); c.460G>A, p.Asp154Asn (NM_001287435.2); short protein forms D154N, D168N, D49N, D203N.
Identifiers: ClinVar variation 2781427 (VCV002781427.3), dbSNP rs2513330969, ClinGen allele CA405274817.

ClinVar aggregate classification (germline): Uncertain significance (1 of 4 stars; one submission).

Conditions:
Acute myeloid leukemia (AML). Also called: Acute myeloid leukemia, adult; AML adult; Acute non-lymphocytic leukemia; Acute granulocytic leukemia; Leukemia, acute myeloid, somatic; Leukemia, acute myelogenous, somatic. Identifiers: Orphanet 519, MedGen C0023467, MeSH D015470, MONDO:0018874, OMIM 601626, HP:0004808. Disease mechanism: Constitutively activated FLT3.

Submission:

Labcorp Genetics (formerly Invitae), Labcorp
Classification: Uncertain significance for Acute myeloid leukemia. Last evaluated: 2023-10-08. Review status: criteria provided, single submitter. Criteria: Invitae Variant Classification Sherloc (09022015). Collection method: clinical testing. Allele origin: germline.
Comment: This sequence change replaces aspartic acid, which is acidic and polar, with asparagine, which is neutral and polar, at codon 168 of the CEBPA protein (p.Asp168Asn). This variant is not present in population databases (gnomAD no frequency). This variant has not been reported in the literature in individuals affected with CEBPA-related conditions. Advanced modeling of protein sequence and biophysical properties (such as structural, functional, and spatial information, amino acid conservation, physicochemical variation, residue mobility, and thermodynamic stability) performed at Invitae indicates that this missense variant is not expected to disrupt CEBPA protein function. In summary, the available evidence is currently insufficient to determine the role of this variant in disease. Therefore, it has been classified as a Variant of Uncertain Significance.